The following is an entry in ClinVar:

ClinVar aggregate classification (germline): Uncertain significance. Review status: criteria provided, multiple submitters, no conflicts (2 of 4 stars). 4 submissions from 4 submitters: Uncertain significance (4). Last evaluated 2025-05-31.

Conditions:
Cardiovascular phenotype. Identifiers: MedGen CN230736.
Long QT syndrome 2 (LQT2). Identifiers: Orphanet 101016, Orphanet 768, MedGen C3150943, MONDO:0013367, OMIM 613688.
Cardiac arrhythmia. Also called: Cardiac rhythm disease; Arrhythmia. Identifiers: MedGen C0003811, MONDO:0007263, HP:0011675.
Long QT syndrome (LQTS). Identifiers: MedGen C0023976, MeSH D008133, MONDO:0002442. Disease mechanism: loss of function. Inheritance: Various modes of inheritance.

Allele frequency attached by ClinVar (database versions not stated): gnomAD exomes 0.00001; gnomAD 0.00001; 1000 Genomes Project 0.00020; 1000 Genomes Project 30x 0.00031; ExAC 0.00001.

Submissions (4):

Dasa
Classification: Uncertain significance for Long QT syndrome 2. Last evaluated: 2025-05-31. Review status: criteria provided, single submitter. Criteria: DASA Assertion Criteria. Collection method: clinical testing. Allele origin: germline.
Comment: NM_000238.4(KCNH2):c.3211A>G (p.Met1071Val) is a missense variant that results in the substitution of methionine with valine. This variant is rare in population databases. The currently available literature and clinical evidence are not sufficient to establish a definitive association between this variant and the reported condition. Therefore, this variant is classified as a variant of uncertain significance.

Color Diagnostics, LLC DBA Color Health
Classification: Uncertain significance for Cardiac arrhythmia. Last evaluated: 2023-12-05. Review status: criteria provided, single submitter. Criteria: ACMG Guidelines, 2015. Collection method: clinical testing. Allele origin: germline.
Comment: Variant of Uncertain Significance due to insufficient evidence: This missense variant is located in the cytoplasmic domain of the KCNH2 protein. Computational prediction tools and conservation analyses are inconclusive regarding the impact of this variant on the protein function. Computational splicing tools suggest that this variant may impact RNA splicing. To our knowledge, functional assays have not been performed for this variant nor has this variant been reported in individuals affected with cardiovascular disorders in the literature. This variant has been identified in 4/275340 chromosomes in the general population by the Genome Aggregation Database (gnomAD). Available evidence is insufficient to determine the pathogenicity of this variant conclusively.

Labcorp Genetics (formerly Invitae), Labcorp
Classification: Uncertain significance for Long QT syndrome. Last evaluated: 2023-10-10. Review status: criteria provided, single submitter. Criteria: Invitae Variant Classification Sherloc (09022015). Collection method: clinical testing. Allele origin: germline.
Comment: This sequence change replaces methionine, which is neutral and non-polar, with valine, which is neutral and non-polar, at codon 1071 of the KCNH2 protein (p.Met1071Val). This variant is present in population databases (rs555797304, gnomAD 0.01%). This variant has not been reported in the literature in individuals affected with KCNH2-related conditions. ClinVar contains an entry for this variant (Variation ID: 629473). Algorithms developed to predict the effect of missense changes on protein structure and function output the following: SIFT: "Not Available"; PolyPhen-2: "Benign"; Align-GVGD: "Not Available". The valine amino acid residue is found in multiple mammalian species, which suggests that this missense change does not adversely affect protein function. In summary, the available evidence is currently insufficient to determine the role of this variant in disease. Therefore, it has been classified as a Variant of Uncertain Significance.

Ambry Genetics
Classification: Uncertain significance for Cardiovascular phenotype. Last evaluated: 2022-09-17. Review status: criteria provided, single submitter. Criteria: Ambry Variant Classification Scheme 2023. Collection method: clinical testing. Allele origin: germline.
Comment: The p.M1071V variant (also known as c.3211A>G), located in coding exon 14 of the KCNH2 gene, results from an A to G substitution at nucleotide position 3211. The methionine at codon 1071 is replaced by valine, an amino acid with highly similar properties. This amino acid position is not well conserved in available vertebrate species. In addition, the in silico prediction for this alteration is inconclusive. Since supporting evidence is limited at this time, the clinical significance of this alteration remains unclear.

NM_000238.4(KCNH2):c.3211A>G (p.Met1071Val)

Gene: KCNH2 (potassium voltage-gated channel subfamily H member 2; minus strand). Cytogenetic location: 7q36.1.
Variant type: single nucleotide variant.
Coding change: c.3211A>G on transcript NM_000238.4 (MANE Select); coding-DNA position 3211, A replaced by G.
Protein change: p.Met1071Val; replaces methionine 1071 with valine.
Molecular consequence: missense variant.
Genome position (GRCh38, 1-based): chr7:150,946,996, T>C on the plus strand (A>G on the coding strand, the complement: KCNH2 is on the minus strand). VCF-style: chr7-150946996-T-C. GRCh37 (hg19) VCF-style: chr7-150644084-T-C.
Other names: c.2191A>G, p.Met731Val (NM_172057.3); short protein forms M731V, M1071V.
Identifiers: ClinVar variation 629473 (VCV000629473.54), dbSNP rs555797304, ClinGen allele CA037892.